The following is an entry in ClinVar:

NM_004268.5(MED17):c.1200del (p.Phe400fs)

Gene: MED17 (mediator complex subunit 17; plus strand). Cytogenetic location: 11q21.
Variant type: Deletion.
Coding change: c.1200del on transcript NM_004268.5 (MANE Select); coding-DNA position 1200, one base deleted (T; older notation c.1200delT).
Protein change: p.Phe400fs; shifts the reading frame from phenylalanine 400.
Molecular consequence: frameshift variant.
Genome position (GRCh38, 1-based): chr11:93,797,591, T deleted; the last of 4 consecutive T bases (chr11:93,797,588-93,797,591); deleting any one gives the same sequence. VCF-style (leftmost placement, unchanged base first): chr11-93797587-CT-C. GRCh37 (hg19) VCF-style: chr11-93530753-CT-C.
Other names: short protein forms F400fs.
Identifiers: ClinVar variation 1071581 (VCV001071581.7), dbSNP rs1382504729, ClinGen allele CA601193389.

ClinVar aggregate classification (germline): Pathogenic (1 of 4 stars; one submission).

Submission:

Labcorp Genetics (formerly Invitae), Labcorp
Classification: Pathogenic. Last evaluated: 2020-08-23. Review status: criteria provided, single submitter. Criteria: Invitae Variant Classification Sherloc (09022015). Collection method: clinical testing. Allele origin: germline.
Comment: This sequence change creates a premature translational stop signal (p.Phe400Leufs*6) in the MED17 gene. It is expected to result in an absent or disrupted protein product. This variant is not present in population databases (ExAC no frequency). This variant has not been reported in the literature in individuals with MED17-related conditions. Loss-of-function variants in MED17 are known to be pathogenic (PMID: 20950787, 26004231, 30345598). For these reasons, this variant has been classified as Pathogenic.

Literature cited by the submitters: PubMed 20950787; PubMed 26004231; PubMed 30345598.